The following is an entry in ClinVar:

NM_022049.3(GPR88):c.238G>A (p.Val80Ile)

Gene: GPR88 (G protein-coupled receptor 88; plus strand). Cytogenetic location: 1p21.2.
Variant type: single nucleotide variant.
Coding change: c.238G>A on transcript NM_022049.3 (MANE Select); coding-DNA position 238, G replaced by A.
Protein change: p.Val80Ile; replaces valine 80 with isoleucine.
Molecular consequence: missense variant.
Genome position (GRCh38, 1-based): chr1:100,539,204, G>A. VCF-style: chr1-100539204-G-A. GRCh37 (hg19) VCF-style: chr1-101004760-G-A.
Other names: c.238G>A (NM_022049.2); short protein forms V80I.
Identifiers: ClinVar variation 1895941 (VCV001895941.6), dbSNP rs143920294, ClinGen allele CA971057.

ClinVar aggregate classification (germline): Uncertain significance. Review status: criteria provided, multiple submitters, no conflicts (2 of 4 stars). 2 submissions from 2 submitters: Uncertain significance (2). Last evaluated 2025-03-17.

Allele frequency attached by ClinVar (database versions not stated): gnomAD 0.00003; ExAC 0.00005; TOPMed 0.00007; ESP Exome Variant Server 0.00008.

Submissions (2):

Labcorp Genetics (formerly Invitae), Labcorp
Classification: Uncertain significance. Last evaluated: 2025-03-17. Review status: criteria provided, single submitter. Criteria: Invitae Variant Classification Sherloc (09022015). Collection method: clinical testing. Allele origin: germline.
Comment: This sequence change replaces valine, which is neutral and non-polar, with isoleucine, which is neutral and non-polar, at codon 80 of the GPR88 protein (p.Val80Ile). This variant is present in population databases (rs143920294, gnomAD 0.005%). This variant has not been reported in the literature in individuals affected with GPR88-related conditions. ClinVar contains an entry for this variant (Variation ID: 1895941). An algorithm developed to predict the effect of missense changes on protein structure and function (PolyPhen-2) suggests that this variant is likely to be disruptive. In summary, the available evidence is currently insufficient to determine the role of this variant in disease. Therefore, it has been classified as a Variant of Uncertain Significance.

Ambry Genetics
Classification: Uncertain significance. Last evaluated: 2023-09-26. Review status: criteria provided, single submitter. Criteria: Ambry Variant Classification Scheme 2023. Collection method: clinical testing. Allele origin: germline.